The following is an entry in ClinVar:

NM_006420.3(ARFGEF2):c.4790C>T (p.Thr1597Met)

Gene: ARFGEF2 (ARF guanine nucleotide exchange factor 2; plus strand). Cytogenetic location: 20q13.13.
Variant type: single nucleotide variant.
Coding change: c.4790C>T on transcript NM_006420.3 (MANE Select); coding-DNA position 4790, C replaced by T.
Protein change: p.Thr1597Met; replaces threonine 1597 with methionine.
Molecular consequence: missense variant.
Genome position (GRCh38, 1-based): chr20:49,025,347, C>T. VCF-style: chr20-49025347-C-T. GRCh37 (hg19) VCF-style: chr20-47641884-C-T.
Other names: short protein forms T1597M.
Identifiers: ClinVar variation 381815 (VCV000381815.6), dbSNP rs368410119, ClinGen allele CA9899333.
Genomic context (GRCh38, chr20:49,025,347, plus strand): 5'-CTTCTATCCTCTGTCCTGTCCTCTAGCAAGACACGCTGGATGCAGATATCCACATAGAGA[C>T]GGAGGATCAGGGCATGTATAAGTACATGTCTTCCCAGCACCTCTTCAAGCTGTTGGACTG-3'
Protein context (NP_006411.2, residues 1587-1607): DTLDADIHIE[Thr1597Met]EDQGMYKYMS

ClinVar aggregate classification (germline): Uncertain significance. Review status: criteria provided, multiple submitters, no conflicts (2 of 4 stars). 3 submissions from 3 submitters: Uncertain significance (3). Last evaluated 2024-10-22.

Conditions:
Inborn genetic diseases. Identifiers: MedGen C0950123, MeSH D030342.

Allele frequency attached by ClinVar (database versions not stated): ExAC 0.00003; TOPMed 0.00005; gnomAD exomes 0.00003; ESP Exome Variant Server 0.00015; gnomAD 0.00007.
gnomAD v4.1: 48 of 1,613,382 alleles (0.003%); highest among the groups gnomAD compares: African/African-American, 0.0093%; no homozygotes.

Submissions (3):

Labcorp Genetics (formerly Invitae), Labcorp
Classification: Uncertain significance. Last evaluated: 2024-10-22. Review status: criteria provided, single submitter. Criteria: Invitae Variant Classification Sherloc (09022015). Collection method: clinical testing. Allele origin: germline.
Comment: This sequence change replaces threonine, which is neutral and polar, with methionine, which is neutral and non-polar, at codon 1597 of the ARFGEF2 protein (p.Thr1597Met). This variant is present in population databases (rs368410119, gnomAD 0.01%). This variant has not been reported in the literature in individuals affected with ARFGEF2-related conditions. ClinVar contains an entry for this variant (Variation ID: 381815). An algorithm developed to predict the effect of missense changes on protein structure and function (PolyPhen-2) suggests that this variant¬†is likely to be tolerated. In summary, the available evidence is currently insufficient to determine the role of this variant in disease. Therefore, it has been classified as a Variant of Uncertain Significance.

Ambry Genetics
Classification: Uncertain significance for Inborn genetic diseases. Last evaluated: 2020-11-23. Review status: criteria provided, single submitter. Criteria: Ambry Variant Classification Scheme 2023. Collection method: clinical testing. Allele origin: germline.

GeneDx
Classification: Uncertain significance. Last evaluated: 2017-03-01. Review status: criteria provided, single submitter. Criteria: GeneDx Variant Classification (06012015). Collection method: clinical testing. Allele origin: germline. Affected: yes.
Comment: A variant of uncertain significance has been identified in the ARFGEF2 gene. The T1597M variant has not been published as a pathogenic variant, nor has it been reported as a benign variant to our knowledge. The T1597M variant was not observed with any significant frequency in approximately 6,500 individuals of European and African American ancestry in the NHLBI Exome Sequencing Project. The T1597M variant is a non-conservative amino acid substitution, which is likely to impact secondary protein structure as these residues differ in polarity, charge, size, and/or other properties. This substitution occurs at a position where amino acids with similar properties to Threonine are tolerated across species. In silico analysis is inconsistent in its predictions as to whether or not the variant is damaging to the protein structure/function. Based on the currently available information, it is unclear whether this variant is a pathogenic variant or a rare benign variant.